The following is an entry in ClinVar:

NM_000726.5(CACNB4):c.1303-3T>C

Gene: CACNB4 (calcium voltage-gated channel auxiliary subunit beta 4; minus strand). Cytogenetic location: 2q23.3.
Variant type: single nucleotide variant.
Coding change: c.1303-3T>C on transcript NM_000726.5 (MANE Select); 3 bases into the intron before coding-DNA position 1303, T replaced by C.
Molecular consequence: intron variant.
Genome position (GRCh38, 1-based): chr2:151,839,382, A>G on the plus strand (T>C on the coding strand, the complement: CACNB4 is on the minus strand). VCF-style: chr2-151839382-A-G. GRCh37 (hg19) VCF-style: chr2-152695896-A-G.
Other names: c.1117-3T>C (NM_001145798.2); c.1060-3T>C (NM_001330113.2); c.1249-3T>C (NM_001005746.4); c.1012-3T>C (NM_001330115.2); c.1201-3T>C (NM_001005747.4); c.973-3T>C (NM_001330116.2); c.649-3T>C (NM_001330114.2); c.1162-3T>C (NM_001320722.3, NM_001330118.1); and 1 more.
Identifiers: ClinVar variation 128562 (VCV000128562.51), dbSNP rs143442080, ClinGen allele CA288703.

ClinVar aggregate classification (germline): Benign/Likely benign. Review status: criteria provided, multiple submitters, no conflicts (2 of 4 stars). 9 submissions from 9 submitters: Benign (6); Likely benign (2). 1 of the submissions does not count toward it. Last evaluated 2026-09-01.

Conditions:
Idiopathic generalized epilepsy. Also called: Generalised epilepsy; EIG. Identifiers: MedGen C0270850, MONDO:0005579, OMIM 600669.
Episodic ataxia type 5. Identifiers: Orphanet 211067, MedGen C1866039, MONDO:0013464, OMIM 613855.

Allele frequency attached by ClinVar (database versions not stated): gnomAD 0.00584 and 0.00617; gnomAD exomes 0.00237 and 0.00380; ExAC 0.00358; ESP Exome Variant Server 0.00502; TOPMed 0.00685; 1000 Genomes Project 0.00599; 1000 Genomes Project 30x 0.00609.
gnomAD v4.1: 4,508 of 1,600,440 alleles (0.28%); highest among the groups gnomAD compares: Middle Eastern, 2.6%; 26 homozygotes.

Submissions (9):

CeGaT Center for Human Genetics Tuebingen
Classification: Benign. Last evaluated: 2026-09-01. Review status: criteria provided, single submitter. Criteria: CeGaT Center For Human Genetics Tuebingen Variant Classification Criteria Version 2. Collection method: clinical testing. Allele origin: germline. Affected: yes. Observed: 5 variant alleles.
Comment: CACNB4: BP4, BS1, BS2

Labcorp Genetics (formerly Invitae), Labcorp
Classification: Benign for Idiopathic generalized epilepsy. Last evaluated: 2025-09-08. Review status: criteria provided, single submitter. Criteria: Invitae Variant Classification Sherloc (09022015). Collection method: clinical testing. Allele origin: germline.

Blueprint Genetics
Classification: Likely benign. Last evaluated: 2024-11-26. Review status: criteria provided, single submitter. Criteria: ACMG Guidelines, 2015. Collection method: clinical testing. Allele origin: germline.

Athena Diagnostics
Classification: Benign. Last evaluated: 2024-01-10. Review status: criteria provided, single submitter. Criteria: Athena Diagnostics Criteria. Collection method: clinical testing. Allele origin: unknown.

Illumina Laboratory Services, Illumina
Classification: Benign for Episodic ataxia type 5. Last evaluated: 2018-01-12. Review status: criteria provided, single submitter. Criteria: ICSL Variant Classification Criteria 13 December 2019. Collection method: clinical testing. Allele origin: germline.
Comment: This variant was observed in the ICSL laboratory as part of a predisposition screen in an ostensibly healthy population. It had not been previously curated by ICSL or reported in the Human Gene Mutation Database (HGMD: prior to June 1st, 2018), and was therefore a candidate for classification through an automated scoring system. Utilizing variant allele frequency, disease prevalence and penetrance estimates, and inheritance mode, an automated score was calculated to assess if this variant is too frequent to cause the disease. Based on the score and internal cut-off values, a variant classified as benign is not then subjected to further curation. The score for this variant resulted in a classification of benign for this disease.

Eurofins Ntd Llc (ga)
Classification: Benign. Last evaluated: 2015-03-02. Review status: criteria provided, single submitter. Criteria: EGL Classification Definitions 2015. Collection method: clinical testing. Allele origin: germline. Observed: 2 variant alleles, 2 heterozygotes.

GeneDx
Classification: Benign. Last evaluated: 2013-08-06. Review status: criteria provided, single submitter. Criteria: GeneDx Variant Classification (06012015). Collection method: clinical testing. Allele origin: germline. Affected: yes.
Comment: This variant is considered likely benign or benign based on one or more of the following criteria: it is a conservative change, it occurs at a poorly conserved position in the protein, it is predicted to be benign by multiple in silico algorithms, and/or has population frequency not consistent with disease.

Breakthrough Genomics
Classification: Likely benign. Review status: criteria provided, single submitter. Criteria: ACMG Guidelines, 2015. Collection method: not provided. Allele origin: germline. Inheritance: Autosomal dominant inheritance. Affected: yes.

Genetic Services Laboratory, University of Chicago
Classification: Likely benign for AllHighlyPenetrant. Review status: no assertion criteria provided. Collection method: clinical testing. Allele origin: germline. Inheritance: Autosomal dominant inheritance. Not counted in ClinVar's aggregate classification.
Comment: Likely benign based on allele frequency in 1000 Genomes Project or ESP global frequency and its presence in a patient with a rare or unrelated disease phenotype. NOT Sanger confirmed.